The following is an entry in ClinVar:

ClinVar aggregate classification (germline): Uncertain significance (1 of 4 stars; one submission).

Conditions:
RAI1-related disorder. Also called: RAI1-related condition.

Submission:

PreventionGenetics, part of Exact Sciences
Classification: Uncertain significance for RAI1-related condition. Last evaluated: 2025-11-26. Review status: criteria provided, single submitter. Criteria: ACMG Guidelines, 2015. Collection method: clinical testing. Allele origin: germline.
Comment: The RAI1 c.3361A>G variant is predicted to result in the amino acid substitution p.Ser1121Gly. To our knowledge, this variant has not been reported in the literature or in a large population database (gnomAD), indicating this variant is rare. At this time, the clinical significance of this variant is uncertain due to the absence of conclusive functional and genetic evidence.

NM_030665.4(RAI1):c.3361A>G (p.Ser1121Gly)

Gene: RAI1 (retinoic acid induced 1; plus strand). Cytogenetic location: 17p11.2.
Variant type: single nucleotide variant.
Coding change: c.3361A>G on transcript NM_030665.4 (MANE Select); coding-DNA position 3361, A replaced by G.
Protein change: p.Ser1121Gly; replaces serine 1121 with glycine.
Molecular consequence: missense variant.
Genome position (GRCh38, 1-based): chr17:17,796,309, A>G. VCF-style: chr17-17796309-A-G. GRCh37 (hg19) VCF-style: chr17-17699623-A-G.
Other names: short protein forms S1121G.
Identifiers: ClinVar variation 4994298 (VCV004994298.1).